The following is an entry in ClinVar:

NM_021120.4(DLG3):c.1447C>T (p.Gln483Ter)

Gene: DLG3 (discs large MAGUK scaffold protein 3; plus strand). Cytogenetic location: Xq13.1.
Variant type: single nucleotide variant.
Coding change: c.1447C>T on transcript NM_021120.4 (MANE Select); coding-DNA position 1447, C replaced by T.
Protein change: p.Gln483Ter; replaces glutamine 483 with a stop codon.
Molecular consequence: nonsense. On other transcripts: 5 prime UTR variant (1).
Genome position (GRCh38, 1-based): chrX:70,479,191, C>T. VCF-style: chrX-70479191-C-T. GRCh37 (hg19) VCF-style: chrX-69699041-C-T.
Other names: c.-3C>T (NM_001166278.2); c.436C>T, p.Gln146Ter (NM_020730.3); short protein forms Q146*, Q483*.
Identifiers: ClinVar variation 1334574 (VCV001334574.4), dbSNP rs2147842078, ClinGen allele CA413457159.

ClinVar aggregate classification (germline): Likely pathogenic (1 of 4 stars; one submission).

Conditions:
Intellectual developmental disorder, X-linked 90. Also called: DLG3-Related X-Linked Nonsyndromic Mental Retardation; Intellectual disability, X-linked 90. Identifiers: Orphanet 777, MedGen C3275443, MONDO:0010452, OMIM 300850.

Submission:

Greenwood Genetic Center Diagnostic Laboratories, Greenwood Genetic Center
Classification: Likely pathogenic for Intellectual developmental disorder, X-linked 90. Last evaluated: 2021-09-02. Review status: criteria provided, single submitter. Criteria: ACMG Guidelines, 2015. Collection method: clinical testing. Allele origin: germline. Affected: yes.
Comment: PVS1, PM2